The following is an entry in ClinVar:

NM_205836.3(FBXO38):c.1861C>T (p.Arg621Cys)

Gene: FBXO38 (F-box protein 38; plus strand). Cytogenetic location: 5q32.
Variant type: single nucleotide variant.
Coding change: c.1861C>T on transcript NM_205836.3 (MANE Select); coding-DNA position 1861, C replaced by T.
Protein change: p.Arg621Cys; replaces arginine 621 with cysteine.
Molecular consequence: missense variant.
Genome position (GRCh38, 1-based): chr5:148,425,644, C>T. VCF-style: chr5-148425644-C-T. GRCh37 (hg19) VCF-style: chr5-147805207-C-T.
Other names: c.1861C>T, p.Arg621Cys (NM_001271723.2, NM_030793.5); c.1861C>T (NM_030793.4); short protein forms R621C.
Identifiers: ClinVar variation 1046325 (VCV001046325.50), dbSNP rs146121161, ClinGen allele CA3497399.

ClinVar aggregate classification (germline): Conflicting classifications of pathogenicity. Review status: criteria provided, conflicting classifications (1 of 4 stars). 3 submissions from 3 submitters: Uncertain significance (2); Likely benign (1). Last evaluated 2025-09-18.

Conditions:
FBXO38-related disorder. Also called: FBXO38-related condition.
Distal hereditary motor neuropathy type 2. Identifiers: Orphanet 139525, MedGen C3711384, MeSH C580044, MONDO:0015352.

Allele frequency attached by ClinVar (database versions not stated): gnomAD exomes 0.00005; ExAC 0.00007; ESP Exome Variant Server 0.00015; gnomAD 0.00017 and 0.00019; TOPMed 0.00022.
gnomAD v4.1: 60 of 1,613,824 alleles (0.0037%); highest among the groups gnomAD compares: African/African-American, 0.069%; no homozygotes.

Submissions (3):

PreventionGenetics, part of Exact Sciences
Classification: Likely benign for FBXO38-related condition. Last evaluated: 2025-09-18. Review status: criteria provided, single submitter. Criteria: ACMG Guidelines, 2015. Collection method: clinical testing. Allele origin: germline.
Comment: This variant is classified as likely benign based on ACMG/AMP sequence variant interpretation guidelines (Richards et al. 2015 PMID: 25741868, with internal and published modifications).

GeneDx
Classification: Uncertain significance. Last evaluated: 2023-04-14. Review status: criteria provided, single submitter. Criteria: GeneDx Variant Classification Process June 2021. Collection method: clinical testing. Allele origin: germline. Affected: yes.
Comment: In silico analysis supports that this missense variant has a deleterious effect on protein structure/function; Has not been previously published as pathogenic or benign to our knowledge; Variants in candidate genes are classified as variants of uncertain significance in accordance with ACMG guidelines (Richards et al., 2015); This variant is associated with the following publications: (PMID: 30567904)

Labcorp Genetics (formerly Invitae), Labcorp
Classification: Uncertain significance for Distal hereditary motor neuropathy type 2. Last evaluated: 2023-04-08. Review status: criteria provided, single submitter. Criteria: Invitae Variant Classification Sherloc (09022015). Collection method: clinical testing. Allele origin: germline.
Comment: This variant is present in population databases (rs146121161, gnomAD 0.07%), and has an allele count higher than expected for a pathogenic variant. In summary, the available evidence is currently insufficient to determine the role of this variant in disease. Therefore, it has been classified as a Variant of Uncertain Significance. Advanced modeling of protein sequence and biophysical properties (such as structural, functional, and spatial information, amino acid conservation, physicochemical variation, residue mobility, and thermodynamic stability) performed at Invitae indicates that this missense variant is not expected to disrupt FBXO38 protein function. ClinVar contains an entry for this variant (Variation ID: 1046325). This variant has not been reported in the literature in individuals affected with FBXO38-related conditions. This sequence change replaces arginine, which is basic and polar, with cysteine, which is neutral and slightly polar, at codon 621 of the FBXO38 protein (p.Arg621Cys).